The following is an entry in ClinVar:

NM_001323289.2(CDKL5):c.62A>G (p.Glu21Gly)

Gene: CDKL5 (cyclin dependent kinase like 5; plus strand). Cytogenetic location: Xp22.13.
Variant type: single nucleotide variant.
Coding change: c.62A>G on transcript NM_001323289.2 (MANE Select); coding-DNA position 62, A replaced by G.
Protein change: p.Glu21Gly; replaces glutamic acid 21 with glycine.
Molecular consequence: missense variant.
Genome position (GRCh38, 1-based): chrX:18,507,158, A>G. VCF-style: chrX-18507158-A-G. GRCh37 (hg19) VCF-style: chrX-18525278-A-G.
Other names: NM_001323289.2(CDKL5):c.62A>G; p.Glu21Gly; c.62A>G, p.Glu21Gly (NM_001037343.2, NM_003159.3); short protein forms E21G.
Identifiers: ClinVar variation 158187 (VCV000158187.8), dbSNP rs587783406, ClinGen allele CA171654.

ClinVar aggregate classification (germline): Likely pathogenic. Review status: criteria provided, multiple submitters, no conflicts (2 of 4 stars). 3 submissions from 3 submitters: Likely pathogenic (2). 1 of the submissions does not count toward it. Last evaluated 2024-07-15.

Conditions:
CDKL5 disorder. Identifiers: MedGen CN296942, MONDO:0100039.
Developmental and epileptic encephalopathy, 2 (DEE2). Also called: INFANTILE SPASM SYNDROME, X-LINKED 2; CDKL5 deficiency disorder. Identifiers: Orphanet 1934, Orphanet 3451, Orphanet 505652, MedGen C4750718, MONDO:0010396, OMIM 300672.

Submissions (3):

Centre for Population Genomics, CPG
Classification: Likely pathogenic for CDKL5 disorder. Last evaluated: 2024-07-15. Review status: criteria provided, single submitter. Criteria: McKnight et al. (Hum Mutat. 2022). Collection method: curation. Allele origin: germline. Inheritance: X-linked inheritance.
Comment: This variant has been collected from RettBASE and curated to current modified ACMG/AMP criteria. Based on the classification scheme defined by the ClinGen Rett/Angelman-like Expert Panel for Rett/AS-like Disorders Specifications to the ACMG/AMP Variant Interpretation Guidelines VCEP 3.0, this variant is classified as likely pathogenic. At least the following criteria are met: Occurs in the well-characterized ATP binding region of CDKL5 (PM1). This variant has been identified as a de novo occurrence in an individual with CDKL5 disorder without confirmation of paternity and maternity (PM6, PMID: 23583054). Computational prediction analysis tools suggests a deleterious impact (REVEL score>= 0.75) (PP3). This variant is absent from gnomAD (PM2_Supporting).

Genetic Services Laboratory, University of Chicago
Classification: Likely pathogenic for Epileptic encephalopathy, early infantile, 2. Last evaluated: 2013-02-08. Review status: criteria provided, single submitter. Criteria: ACMG Guidelines, 2007. Collection method: clinical testing. Allele origin: germline. Inheritance: X-linked inheritance. Affected: yes.

RettBASE
Classification: Pathogenic for Epileptic encephalopathy, early infantile, 2. Last evaluated: 2014-03-13. Review status: no assertion criteria provided. Collection method: curation. Allele origin: de novo. Affected: yes. Observed: 1 variant allele. Not counted in ClinVar's aggregate classification.
Comment: Conserved amino acid, SIFT, polyphen2, mutation taster predictions all deleterious

Literature cited by the submitters: PubMed 23583054 (cited by RettBASE).